The following is an entry in ClinVar:

ClinVar aggregate classification (germline): Likely pathogenic (1 of 4 stars; one submission).

Conditions:
Exostoses, multiple, type 2 (EXT2). Also called: Hereditary Multiple Osteochondromatosis, Type II; EXOSTOSES, MULTIPLE, TYPE II. Identifiers: Orphanet 321, MedGen C1851413, MONDO:0007586, OMIM 133701.

Submission:

Labcorp Genetics (formerly Invitae), Labcorp
Classification: Likely pathogenic for Exostoses, multiple, type 2. Last evaluated: 2024-07-01. Review status: criteria provided, single submitter. Criteria: Invitae Variant Classification Sherloc (09022015). Collection method: clinical testing. Allele origin: germline.
Comment: This variant results in the deletion of part of exon 9 (c.1489_1495+12del) of the EXT2 gene. It is expected to disrupt RNA splicing. Variants that disrupt the donor or acceptor splice site typically lead to a loss of protein function (PMID: 16199547), and loss-of-function variants in EXT2 are known to be pathogenic (PMID: 10679937, 19810120). This variant is present in population databases (no rsID available, gnomAD 0.006%). This variant has not been reported in the literature in individuals affected with EXT2-related conditions. ClinVar contains an entry for this variant (Variation ID: 2154210). In summary, the currently available evidence indicates that the variant is pathogenic, but additional data are needed to prove that conclusively. Therefore, this variant has been classified as Likely Pathogenic.

Literature cited by the submitters: PubMed 16199547; PubMed 10679937; PubMed 19810120.

NM_207122.2(EXT2):c.1489_1495+12del

Genes: EXT2 (exostosin glycosyltransferase 2; plus strand), LOC126861201 (MED14-independent group 3 enhancer GRCh37_chr11:44218806-44220005; plus strand). Cytogenetic location: 11p11.2.
Variant type: Deletion.
Coding change: c.1489_1495+12del on transcript NM_207122.2 (MANE Select); coding-DNA position 1489 through 12 bases into the intron after coding-DNA position 1495, 19 bases deleted (CCAGAAGGTAAGAAGCCTT).
Molecular consequence: splice donor variant.
Genome position (GRCh38, 1-based): chr11:44,198,012-44,198,030, CCAGAAGGTAAGAAGCCTT deleted; deleting any 19 consecutive bases within chr11:44,198,011-44,198,030 gives the same sequence; the c. name uses the placement nearest the transcript's 3' end. VCF-style (leftmost placement, unchanged base first): chr11-44198010-CTCCAGAAGGTAAGAAGCCT-C. GRCh37 (hg19) VCF-style: chr11-44219560-CTCCAGAAGGTAAGAAGCCT-C.
Other names: c.1489_1495+12del (NM_001389630.1, NM_001389628.1); c.1519_1525+12del (NM_001178083.3); c.1588_1594+12del (NM_000401.3).
Identifiers: ClinVar variation 2154210 (VCV002154210.4), dbSNP rs1565231185, ClinGen allele CA599370275.
Genomic context (GRCh38, chr11:44,198,010, plus strand): 5'-TGTCCAAGGTGCCCAGTCTATCCAAACTACTTGTCGTCTGGAATAATCAGAATAAAAACC[CTCCAGAAGGTAAGAAGCCT>C]TAGTGCCTCTCTCAGCTGGATCAATTTTGGATGGCCAAATTATTCACATCCTTTGTTTTA-3'